The following is an entry in ClinVar:

ClinVar aggregate classification (germline): Uncertain significance (1 of 4 stars; one submission).

Allele frequency attached by ClinVar (database versions not stated): gnomAD 0.00001.

Submission:

Labcorp Genetics (formerly Invitae), Labcorp
Classification: Uncertain significance. Last evaluated: 2021-11-18. Review status: criteria provided, single submitter. Criteria: Invitae Variant Classification Sherloc (09022015). Collection method: clinical testing. Allele origin: germline.
Comment: This sequence change replaces glutamine, which is neutral and polar, with histidine, which is basic and polar, at codon 76 of the COMP protein (p.Gln76His). This variant is not present in population databases (gnomAD no frequency). In summary, the available evidence is currently insufficient to determine the role of this variant in disease. Therefore, it has been classified as a Variant of Uncertain Significance. Advanced modeling of protein sequence and biophysical properties (such as structural, functional, and spatial information, amino acid conservation, physicochemical variation, residue mobility, and thermodynamic stability) performed at Invitae indicates that this missense variant is not expected to disrupt COMP protein function. This variant has not been reported in the literature in individuals affected with COMP-related conditions.

NM_000095.3(COMP):c.228G>T (p.Gln76His)

Gene: COMP (cartilage oligomeric matrix protein; minus strand). Cytogenetic location: 19p13.11.
Variant type: single nucleotide variant.
Coding change: c.228G>T on transcript NM_000095.3 (MANE Select); coding-DNA position 228, G replaced by T.
Protein change: p.Gln76His; replaces glutamine 76 with histidine.
Molecular consequence: missense variant.
Genome position (GRCh38, 1-based): chr19:18,790,104, C>A on the plus strand (G>T on the coding strand, the complement: COMP is on the minus strand). VCF-style: chr19-18790104-C-A. GRCh37 (hg19) VCF-style: chr19-18900913-C-A.
Other names: short protein forms Q76H.
Identifiers: ClinVar variation 1416651 (VCV001416651.6), dbSNP rs2055201328, ClinGen allele CA404898948.
Genomic context (GRCh38, chr19:18,790,104, plus strand): 5'-GCAGAAGCCGGGCGCGCAGTGGAGCAGGGGCCGCACGCTGGGTAGGCCGGTGCGTACTGA[C>A]TGCTGCATCCCTGCGGGGGGGAGGGGGGAGAAGCGGCGGGGCTGATCGGTGGCTCGCCCG-3'
Protein context (NP_000086.2, residues 66-86): VMECDACGMQ[Gln76His]SVRTGLPSVR